The following is an entry in ClinVar:

NM_001127208.3(TET2):c.5284A>G (p.Ile1762Val)

Genes: TET2 (tet methylcytosine dioxygenase 2; plus strand), TET2-AS1 (TET2 antisense RNA 1; minus strand). Cytogenetic location: 4q24.
Variant type: single nucleotide variant.
Coding change: c.5284A>G on transcript NM_001127208.3 (MANE Select); coding-DNA position 5284, A replaced by G.
Protein change: p.Ile1762Val; replaces isoleucine 1762 with valine.
Molecular consequence: missense variant.
Genome position (GRCh38, 1-based): chr4:105,275,794, A>G. VCF-style: chr4-105275794-A-G. GRCh37 (hg19) VCF-style: chr4-106196951-A-G.
Other names: short protein forms I1762V.
Identifiers: ClinVar variation 135287 (VCV000135287.13), dbSNP rs2454206, ClinGen allele CA162228.

ClinVar aggregate classification (germline): Benign. Review status: criteria provided, multiple submitters, no conflicts (2 of 4 stars). 7 submissions from 7 submitters: Benign (6). 1 of the submissions does not count toward it. Last evaluated 2026-02-04.

Allele frequency attached by ClinVar (database versions not stated): 1000 Genomes Project 30x 0.22548; ESP Exome Variant Server 0.28734; gnomAD 0.26430; 1000 Genomes Project 0.23043; TOPMed 0.25426; ExAC 0.29512.
gnomAD v4.1: 535,076 of 1,551,382 alleles (34%); highest among the groups gnomAD compares: Non-Finnish European, 38%; 96,786 homozygotes.

Submissions (7):

Labcorp Genetics (formerly Invitae), Labcorp
Classification: Benign. Last evaluated: 2026-02-04. Review status: criteria provided, single submitter. Criteria: Invitae Variant Classification Sherloc (09022015). Collection method: clinical testing. Allele origin: germline.

ARUP Laboratories, Molecular Genetics and Genomics, ARUP Laboratories
Classification: Benign. Last evaluated: 2025-07-28. Review status: criteria provided, single submitter. Criteria: ARUP Molecular Germline Variant Investigation Process 2024. Collection method: clinical testing. Allele origin: germline.

Unidad de Genómica Garrahan, Hospital de Pediatría Garrahan
Classification: Benign. Last evaluated: 2024-01-24. Review status: criteria provided, single submitter. Criteria: ACMG Guidelines, 2015. Collection method: clinical testing. Allele origin: germline. Affected: no. Observed: 51 variant alleles.
Comment: This variant is classified as Benign based on local population frequency. This variant was detected in 54% of patients studied by a panel of primary immunodeficiencies. Number of patients: 51. Only high quality variants are reported.

Mayo Clinic Laboratories, Mayo Clinic
Classification: Benign. Last evaluated: 2022-09-06. Review status: criteria provided, single submitter. Criteria: ACMG Guidelines, 2015. Collection method: clinical testing. Allele origin: germline. Observed: 106 variant alleles.

GeneDx
Classification: Benign. Last evaluated: 2018-11-12. Review status: criteria provided, single submitter. Criteria: GeneDx Variant Classification Process June 2021. Collection method: clinical testing. Allele origin: germline. Affected: yes.

Breakthrough Genomics
Classification: Benign. Review status: criteria provided, single submitter. Criteria: ACMG Guidelines, 2015. Collection method: not provided. Allele origin: germline. Inheritance: Autosomal recessive inheritance. Affected: yes.

ITMI
No classification provided. Condition: AllHighlyPenetrant. Last evaluated: 2013-09-19. Review status: no classification provided. Collection method: reference population. Allele origin: germline. Not counted in ClinVar's aggregate classification.
Comment: Please see associated publication for description of ethnicities

Literature cited by the submitters: PubMed 24728327 (cited by ITMI).